The following is an entry in ClinVar:

ClinVar aggregate classification (germline): Conflicting classifications of pathogenicity. Review status: criteria provided, conflicting classifications (1 of 4 stars). 3 submissions from 3 submitters: Uncertain significance (2); Likely benign (1). Last evaluated 2025-07-25.

Conditions:
Cardiovascular phenotype. Identifiers: MedGen CN230736.
Cardiomyopathy (CMYO). Also called: Cardiomyopathies. Identifiers: Orphanet 167848, MedGen C0878544, MONDO:0004994, HP:0001638. Inheritance: Various modes of inheritance.
Arrhythmogenic cardiomyopathy with wooly hair and keratoderma. Also called: Carvajal syndrome; PALMOPLANTAR KERATODERMA WITH LEFT VENTRICULAR CARDIOMYOPATHY AND WOOLLY HAIR; Dilated cardiomyopathy with woolly hair and keratoderma; Arrhythmogenic cardiomyopathy with woolly hair and keratoderma. Identifiers: Orphanet 65282, MedGen C1854063, MONDO:0011581, OMIM 605676.
Arrhythmogenic right ventricular dysplasia 8 (ARVD8). Also called: ARRHYTHMOGENIC RIGHT VENTRICULAR DYSPLASIA, FAMILIAL, 8; ARRHYTHMOGENIC RIGHT VENTRICULAR CARDIOMYOPATHY 8; Arrhythmogenic Right Ventricular Dysplasia/Cardiomyopathy 8. Identifiers: MedGen C1843896, MONDO:0011831, OMIM 607450.

Allele frequency attached by ClinVar (database versions not stated): gnomAD exomes below 0.00001; TOPMed below 0.00001; ExAC 0.00001; gnomAD 0.00001.

Submissions (3):

Color Diagnostics, LLC DBA Color Health
Classification: Uncertain significance for Cardiomyopathy. Last evaluated: 2025-07-25. Review status: criteria provided, single submitter. Criteria: ACMG Guidelines, 2015. Collection method: clinical testing. Allele origin: germline.
Comment: This missense variant replaces glycine with cysteine at codon 2640 of the DSP protein. Computational prediction suggests that this variant may have deleterious impact on protein structure and function. To our knowledge, functional studies have not been reported for this variant. This variant has not been reported in individuals affected with DSP-related disorders in the literature. This variant has been identified in 1/250884 chromosomes in the general population by the Genome Aggregation Database (gnomAD). The available evidence is insufficient to determine the role of this variant in disease conclusively. Therefore, this variant is classified as a Variant of Uncertain Significance.

Labcorp Genetics (formerly Invitae), Labcorp
Classification: Likely benign for Arrhythmogenic cardiomyopathy with wooly hair and keratoderma; Arrhythmogenic right ventricular dysplasia 8. Last evaluated: 2024-04-06. Review status: criteria provided, single submitter. Criteria: Invitae Variant Classification Sherloc (09022015). Collection method: clinical testing. Allele origin: germline.

Ambry Genetics
Classification: Uncertain significance for Cardiovascular phenotype. Last evaluated: 2022-02-04. Review status: criteria provided, single submitter. Criteria: Ambry Variant Classification Scheme 2023. Collection method: clinical testing. Allele origin: germline.
Comment: The p.G2640C variant (also known as c.7918G>T), located in coding exon 24 of the DSP gene, results from a G to T substitution at nucleotide position 7918. The glycine at codon 2640 is replaced by cysteine, an amino acid with highly dissimilar properties. This amino acid position is conserved. In addition, this alteration is predicted to be deleterious by in silico analysis. Since supporting evidence is limited at this time, the clinical significance of this alteration remains unclear.

NM_004415.4(DSP):c.7918G>T (p.Gly2640Cys)

Gene: DSP (desmoplakin; plus strand). Cytogenetic location: 6p24.3.
Variant type: single nucleotide variant.
Coding change: c.7918G>T on transcript NM_004415.4 (MANE Select); coding-DNA position 7918, G replaced by T.
Protein change: p.Gly2640Cys; replaces glycine 2640 with cysteine.
Molecular consequence: missense variant.
Genome position (GRCh38, 1-based): chr6:7,585,180, G>T. VCF-style: chr6-7585180-G-T. GRCh37 (hg19) VCF-style: chr6-7585413-G-T.
Other names: c.6121G>T, p.Gly2041Cys (NM_001008844.3); c.6589G>T, p.Gly2197Cys (NM_001319034.2); short protein forms G2041C, G2197C, G2640C.
Identifiers: ClinVar variation 965445 (VCV000965445.13), dbSNP rs770390645, ClinGen allele CA051161.